The following is an entry in ClinVar:

ClinVar aggregate classification (germline): Uncertain significance (1 of 4 stars; one submission).

Allele frequency attached by ClinVar (database versions not stated): gnomAD exomes below 0.00001; gnomAD 0.00001.
gnomAD v4.1: 2 of 1,565,216 alleles (0.00013%); highest among the groups gnomAD compares: Non-Finnish European, 0.00017%; no homozygotes.

Submission:

CeGaT Center for Human Genetics Tuebingen
Classification: Uncertain significance. Last evaluated: 2022-06-01. Review status: criteria provided, single submitter. Criteria: CeGaT Center For Human Genetics Tuebingen Variant Classification Criteria Version 2. Collection method: clinical testing. Allele origin: germline. Affected: yes. Observed: 1 variant allele.
Comment: AHDC1: PM2

NM_001371928.1(AHDC1):c.1291C>T (p.Pro431Ser)

Gene: AHDC1 (AT-hook DNA binding motif containing 1; minus strand). Cytogenetic location: 1p36.11.
Variant type: single nucleotide variant.
Coding change: c.1291C>T on transcript NM_001371928.1 (MANE Select); coding-DNA position 1291, C replaced by T.
Protein change: p.Pro431Ser; replaces proline 431 with serine.
Molecular consequence: missense variant.
Genome position (GRCh38, 1-based): chr1:27,550,825, G>A on the plus strand (C>T on the coding strand, the complement: AHDC1 is on the minus strand). VCF-style: chr1-27550825-G-A. GRCh37 (hg19) VCF-style: chr1-27877336-G-A.
Other names: c.1291C>T, p.Pro431Ser (NM_001029882.3); short protein forms P431S.
Identifiers: ClinVar variation 2638571 (VCV002638571.24), dbSNP rs1341958620, ClinGen allele CA339234648.